The following is an entry in ClinVar:

NM_182476.3(COQ6):c.1378-261_1378-260del

Genes: COQ6 (coenzyme Q6, monooxygenase; plus strand), ENTPD5 (ectonucleoside triphosphate diphosphohydrolase 5; minus strand). Cytogenetic location: 14q24.3.
Variant type: Microsatellite.
Coding change: c.1378-261_1378-260del on transcript NM_182476.3 (MANE Select); 261 bases into the intron before coding-DNA position 1378 through 260 bases into the intron before coding-DNA position 1378, 2 bases deleted (TA; older notation c.1378-261_1378-260delTA).
Molecular consequence: intron variant.
Genome position (GRCh38, 1-based): chr14:73,962,709-73,962,710, TA deleted; deleting any 2 consecutive bases within chr14:73,962,707-73,962,710 gives the same sequence; the c. name uses the placement nearest the transcript's 3' end. VCF-style (leftmost placement, unchanged base first): chr14-73962706-TTA-T. GRCh37 (hg19) VCF-style: chr14-74429409-TTA-T.
Other names: c.1195-261_1195-260del (NM_001425258.1); c.1153-261_1153-260del (NM_001425259.1, NM_001425260.1); c.1153-267_1153-266del (NM_001425261.1); c.1303-261_1303-260del (NM_182480.3); c.1051-261_1051-260del (NM_001425263.1); c.1211-261_1211-260del (NM_001425255.1); c.1270-261_1270-260del (NM_001425256.1); c.838-261_838-260del (NM_001425265.1, NM_001425264.1); and 6 more.
Identifiers: ClinVar variation 669699 (VCV000669699.3), dbSNP rs57794133, ClinGen allele CA263577682.

ClinVar aggregate classification (germline): Benign (1 of 4 stars; one submission).

Submission:

GeneDx
Classification: Benign. Last evaluated: 2018-06-14. Review status: criteria provided, single submitter. Criteria: GeneDx Variant Classification (06012015). Collection method: clinical testing. Allele origin: germline. Affected: yes.
Comment: This variant is considered likely benign or benign based on one or more of the following criteria: it is a conservative change, it occurs at a poorly conserved position in the protein, it is predicted to be benign by multiple in silico algorithms, and/or has population frequency not consistent with disease.